The following is an entry in ClinVar:

NM_000179.3(MSH6):c.2599G>A (p.Val867Ile)

Gene: MSH6 (mutS homolog 6; plus strand). Cytogenetic location: 2p16.3.
Variant type: single nucleotide variant.
Coding change: c.2599G>A on transcript NM_000179.3 (MANE Select); coding-DNA position 2599, G replaced by A.
Protein change: p.Val867Ile; replaces valine 867 with isoleucine.
Molecular consequence: missense variant.
Genome position (GRCh38, 1-based): chr2:47,800,582, G>A. VCF-style: chr2-47800582-G-A. GRCh37 (hg19) VCF-style: chr2-48027721-G-A.
Other names: c.2209G>A, p.Val737Ile (NM_001281492.2); c.1693G>A, p.Val565Ile (NM_001281493.2, NM_001281494.2); short protein forms V867I, V737I, V565I.
Identifiers: ClinVar variation 455210 (VCV000455210.29), dbSNP rs745954217, ClinGen allele CA069233.

ClinVar aggregate classification (germline): Conflicting classifications of pathogenicity. Review status: criteria provided, conflicting classifications (1 of 4 stars). 7 submissions from 7 submitters: Uncertain significance (6); Likely benign (1). Last evaluated 2025-10-26.

Conditions:
Hereditary cancer-predisposing syndrome. Also called: Hereditary Cancer Syndrome; Hereditary neoplastic syndrome; Neoplastic Syndromes, Hereditary; Tumor predisposition. Identifiers: Orphanet 140162, MedGen C0027672, MeSH D009386, MONDO:0015356.
Hereditary nonpolyposis colorectal neoplasms. Identifiers: MedGen C0009405, MeSH D003123.
Lynch syndrome. Identifiers: Orphanet 144, MedGen C4552100, MONDO:0005835. Disease mechanism: loss of function.
Endometrial carcinoma. Also called: Endometrial carcinoma, somatic. Identifiers: MedGen C0476089, MONDO:0002447, OMIM 608089, HP:0012114.

Allele frequency attached by ClinVar (database versions not stated): gnomAD exomes below 0.00001 and 0.00001; ExAC 0.00002.
gnomAD v4.1: 3 of 1,614,096 alleles (0.00019%); highest among the groups gnomAD compares: Non-Finnish European, 0.00025%; no homozygotes.

Submissions (7):

Ambry Genetics
Classification: Uncertain significance for Hereditary cancer-predisposing syndrome. Last evaluated: 2025-10-26. Review status: criteria provided, single submitter. Criteria: Ambry Variant Classification Scheme 2023. Collection method: clinical testing. Allele origin: germline.
Comment: The p.V867I variant (also known as c.2599G>A), located in coding exon 4 of the MSH6 gene, results from a G to A substitution at nucleotide position 2599. The valine at codon 867 is replaced by isoleucine, an amino acid with highly similar properties. In a study of whole-exome sequencing in patients with features of Cowden syndrome (CS) or Bannayan-Riley-Ruvalcaba syndrome (BRRS) and negative PTEN testing, this alteration was identified in 0/87 patients with CS or BRRS and 1/3476 patients from The Cancer Genome Atlas (TCGA) (Yehia L et al. PLoS Genet, 2018 04;14:e1007352). This amino acid position is not well conserved in available vertebrate species. In addition, this alteration is predicted to be tolerated by in silico analysis. Since supporting evidence is limited at this time, the clinical significance of this alteration remains unclear.

Color Diagnostics, LLC DBA Color Health
Classification: Uncertain significance for Hereditary cancer-predisposing syndrome. Last evaluated: 2025-09-05. Review status: criteria provided, single submitter. Criteria: ACMG Guidelines, 2015. Collection method: clinical testing. Allele origin: germline.
Comment: This missense variant replaces valine with isoleucine at codon 867 of the MSH6 protein. Computational prediction suggests that this variant may not impact protein structure and function. To our knowledge, functional studies have not been reported for this variant. This variant has been reported in an individual affected with melanoma (TCGAPMID: 29684080). This variant has been identified in 3/249814 chromosomes in the general population by the Genome Aggregation Database (gnomAD). The available evidence is insufficient to determine the role of this variant in disease conclusively. Therefore, this variant is classified as a Variant of Uncertain Significance.

Labcorp Genetics (formerly Invitae), Labcorp
Classification: Likely benign for Hereditary nonpolyposis colorectal neoplasms. Last evaluated: 2025-08-30. Review status: criteria provided, single submitter. Criteria: Invitae Variant Classification Sherloc (09022015). Collection method: clinical testing. Allele origin: germline.

Institute for Biomarker Research, Medical Diagnostic Laboratories, L.L.C.
Classification: Uncertain significance for Hereditary cancer-predisposing syndrome. Last evaluated: 2025-04-10. Review status: criteria provided, single submitter. Criteria: ACMG Guidelines, 2015. Collection method: clinical testing. Allele origin: germline.
Comment: The missense variant NM_000179.3(MSH6):c.2599G>A (p.Val867Ile) has not been reported previously as a pathogenic variant, to our knowledge. The p.Val867Ile variant is novel (not in any individuals) in 1kG. There is a small physicochemical difference between valine and isoleucine, which is not likely to impact secondary protein structure as these residues share similar properties. For these reasons, this variant has been classified as Uncertain Significance.

Baylor Genetics
Classification: Uncertain significance for Endometrial carcinoma. Last evaluated: 2024-02-19. Review status: criteria provided, single submitter. Criteria: ACMG Guidelines, 2015. Collection method: clinical testing. Allele origin: unknown.

All of Us Research Program, National Institutes of Health
Classification: Uncertain significance for Lynch syndrome. Last evaluated: 2024-01-11. Review status: criteria provided, single submitter. Criteria: ACMG Guidelines, 2015. Collection method: clinical testing. Allele origin: germline. Inheritance: Autosomal dominant inheritance. Observed: 1 variant allele, 1 heterozygote.
Comment: This missense variant replaces valine with isoleucine at codon 867 of the MSH6 protein. Computational prediction suggests that this variant may not impact protein structure and function (internally defined REVEL score threshold <= 0.5, PMID: 27666373). To our knowledge, functional studies have not been reported for this variant. This variant has been reported in an individual affected with melanoma (PMID: 29684080). This variant has been identified in 3/249814 chromosomes in the general population by the Genome Aggregation Database (gnomAD). The available evidence is insufficient to determine the role of this variant in disease conclusively. Therefore, this variant is classified as a Variant of Uncertain Significance.

This study involves interpretation of variants in research participants for the purpose of population health screening. Participant phenotype was not available at the time of variant classification. Additional details can be found in publication PMID: 35346344, PMCID: PMC8962531

Quest Diagnostics Nichols Institute San Juan Capistrano
Classification: Uncertain significance. Last evaluated: 2023-10-24. Review status: criteria provided, single submitter. Criteria: Quest Diagnostics criteria. Collection method: clinical testing. Allele origin: unknown.
Comment: The MSH6 c.2599G>A (p.Val867Ile) variant has been reported in the published literature in a skin cutaneous melanoma sample from The Cancer Genome Atlas (TCGA) dataset (PMID: 29684080 (2018)). In addition, in a large case-control study, the variant was observed in individuals with breast cancer and not among the unaffected controls (PMID: 33471991 (2021), see also LOVD). The frequency of this variant in the general population, 0.000027 (3/112926 chromosomes (Genome Aggregation Database)), is uninformative in the assessment of its pathogenicity. Analysis of this variant using bioinformatics tools for the prediction of the effect of amino acid changes on protein structure and function yielded predictions that this variant is benign. Based on the available information, we are unable to determine the clinical significance of this variant.

Literature cited by the submitters: PubMed 29684080 (cited by 3 submitters); PubMed 33471991 (cited by Quest Diagnostics Nichols Institute San Juan Capistrano).